The following is an entry in ClinVar:

NM_003000.3(SDHB):c.549C>T (p.Leu183=)

Gene: SDHB (succinate dehydrogenase complex iron sulfur subunit B; minus strand). Cytogenetic location: 1p36.13.
Variant type: single nucleotide variant.
Coding change: c.549C>T on transcript NM_003000.3 (MANE Select); coding-DNA position 549, C replaced by T.
Protein change: p.Leu183=; no amino-acid change (leucine 183 retained).
Molecular consequence: synonymous variant.
Genome position (GRCh38, 1-based): chr1:17,024,066, G>A on the plus strand (C>T on the coding strand, the complement: SDHB is on the minus strand). VCF-style: chr1-17024066-G-A. GRCh37 (hg19) VCF-style: chr1-17350561-G-A.
Identifiers: ClinVar variation 486423 (VCV000486423.16), dbSNP rs1411654404, ClinGen allele CA416083972.

ClinVar aggregate classification (germline): Benign/Likely benign. Review status: criteria provided, multiple submitters, no conflicts (2 of 4 stars). 3 submissions from 3 submitters: Benign (1); Likely benign (2). Last evaluated 2025-03-13.

Conditions:
Pheochromocytoma/paraganglioma syndrome 4. Also called: SDHB-Related Hereditary Paraganglioma-Pheochromocytoma Syndrome (Paragangliomas 4); PARAGANGLIOMA, FAMILIAL MALIGNANT; PARAGANGLIOMAS, HEREDITARY EXTRAADRENAL; PHEOCHROMOCYTOMA, FAMILIAL EXTRAADRENAL; Paragangliomas 4; CAROTID BODY TUMORS AND MULTIPLE EXTRAADRENAL PHEOCHROMOCYTOMAS. Identifiers: Orphanet 29072, MedGen C1861848, MONDO:0007273, OMIM 115310.
Gastrointestinal stromal tumor. Also called: Gastrointestinal stroma tumor; Gastrointestinal stromal tumor, somatic. Identifiers: Orphanet 44890, MedGen C0238198, MeSH D046152, MONDO:0011719, OMIM 606764, HP:0100723.
Pheochromocytoma. Also called: MAX-Related Hereditary Paraganglioma-Pheochromocytoma Syndrome. Identifiers: Orphanet 29072, MedGen C0031511, MONDO:0008233, OMIM 171300, HP:0002666.
Hereditary cancer-predisposing syndrome. Also called: Tumor predisposition; Hereditary neoplastic syndrome; Hereditary Cancer Syndrome; Neoplastic Syndromes, Hereditary. Identifiers: Orphanet 140162, MedGen C0027672, MeSH D009386, MONDO:0015356.

Allele frequency attached by ClinVar (database versions not stated): gnomAD exomes below 0.00001.
gnomAD v4.1: 3 of 1,612,820 alleles (0.00019%); highest among the groups gnomAD compares: Admixed American, 0.0017%; no homozygotes.

Submissions (3):

Myriad Genetics, Inc.
Classification: Benign for Pheochromocytoma/paraganglioma syndrome 4. Last evaluated: 2025-03-13. Review status: criteria provided, single submitter. Criteria: Myriad Autosomal Dominant, Autosomal Recessive and X-Linked Classification Criteria (2023). Collection method: clinical testing. Allele origin: unknown.
Comment: This variant is considered benign. This variant is a silent/synonymous amino acid change and it is not expected to impact splicing.

Labcorp Genetics (formerly Invitae), Labcorp
Classification: Likely benign for Gastrointestinal stromal tumor; Pheochromocytoma/paraganglioma syndrome 4; Pheochromocytoma. Last evaluated: 2023-06-05. Review status: criteria provided, single submitter. Criteria: Invitae Variant Classification Sherloc (09022015). Collection method: clinical testing. Allele origin: germline.

Ambry Genetics
Classification: Likely benign for Hereditary cancer-predisposing syndrome. Last evaluated: 2016-02-22. Review status: criteria provided, single submitter. Criteria: Ambry Variant Classification Scheme 2023. Collection method: clinical testing. Allele origin: germline.